The following is an entry in ClinVar:

NM_004655.4(AXIN2):c.2236G>C (p.Asp746His)

Gene: AXIN2 (axin 2; minus strand). Cytogenetic location: 17q24.1.
Variant type: single nucleotide variant.
Coding change: c.2236G>C on transcript NM_004655.4 (MANE Select); coding-DNA position 2236, G replaced by C.
Protein change: p.Asp746His; replaces aspartic acid 746 with histidine.
Molecular consequence: missense variant.
Genome position (GRCh38, 1-based): chr17:65,535,627, C>G on the plus strand (G>C on the coding strand, the complement: AXIN2 is on the minus strand). VCF-style: chr17-65535627-C-G. GRCh37 (hg19) VCF-style: chr17-63531745-C-G.
Other names: c.2041G>C, p.Asp681His (NM_001363813.1); short protein forms D746H, D681H.
Identifiers: ClinVar variation 4767185 (VCV004767185.2).
Genomic context (GRCh38, chr17:65,535,627, plus strand): 5'-AATATTCTGAAACATAAAGCACTCGGCAGATCTCAGTAATGTCAGGTAAAGACACTCACT[C>G]TTCTGGAGCCAGGCTTGGATTGGAGAAGGGTGTGGCTCCCGTCTGAACAGTGGCCGAATG-3'
Protein context (NP_004646.3, residues 736-756): PFSNPSLAPE[Asp746His]HKEPKKLAGV

ClinVar aggregate classification (germline): Uncertain significance. Review status: criteria provided, multiple submitters, no conflicts (2 of 4 stars). 2 submissions from 2 submitters: Uncertain significance (2). Last evaluated 2026-09-12.

Conditions:
Oligodontia-cancer predisposition syndrome. Also called: TOOTH AGENESIS-COLORECTAL CANCER SYNDROME. Identifiers: Orphanet 300576, MedGen C1837750, MONDO:0012075, OMIM 608615. Disease mechanism: loss of function.
Hereditary cancer-predisposing syndrome. Also called: Hereditary Cancer Syndrome; Hereditary neoplastic syndrome; Neoplastic Syndromes, Hereditary; Tumor predisposition. Identifiers: Orphanet 140162, MedGen C0027672, MeSH D009386, MONDO:0015356.

Submissions (2):

Ambry Genetics
Classification: Uncertain significance for Hereditary cancer-predisposing syndrome. Last evaluated: 2026-09-12. Review status: criteria provided, single submitter. Criteria: Ambry Variant Classification Scheme 2023. Collection method: clinical testing. Allele origin: germline.
Comment: The p.D746H variant (also known as c.2236G>C), located in coding exon 8 of the AXIN2 gene, results from a G to C substitution at nucleotide position 2236. The aspartic acid at codon 746 is replaced by histidine, an amino acid with similar properties. This amino acid position is conserved. In addition, the in silico prediction for this alteration is inconclusive. Based on the available evidence, the clinical significance of this variant remains unclear.

Labcorp Genetics (formerly Invitae), Labcorp
Classification: Uncertain significance for Oligodontia-cancer predisposition syndrome. Last evaluated: 2026-01-19. Review status: criteria provided, single submitter. Criteria: Invitae Variant Classification Sherloc (09022015). Collection method: clinical testing. Allele origin: germline.
Comment: This sequence change replaces aspartic acid, which is acidic and polar, with histidine, which is basic and polar, at codon 746 of the AXIN2 protein (p.Asp746His). This variant is not present in population databases (gnomAD no frequency). This variant has not been reported in the literature in individuals affected with AXIN2-related conditions. An algorithm developed to predict the effect of missense changes on protein structure and function (PolyPhen-2) suggests that this variant is likely to be disruptive. In summary, the available evidence is currently insufficient to determine the role of this variant in disease. Therefore, it has been classified as a Variant of Uncertain Significance.